The following is an entry in ClinVar:

ClinVar aggregate classification (germline): Likely pathogenic. Review status: criteria provided, multiple submitters, no conflicts (2 of 4 stars). 2 submissions from 2 submitters: Likely pathogenic (2). Last evaluated 2022-02-17.

Conditions:
Pitt-Hopkins syndrome (PTHS). Also called: ENCEPHALOPATHY, SEVERE EPILEPTIC, WITH AUTONOMIC DYSFUNCTION; MENTAL RETARDATION, SYNDROMAL, WITH INTERMITTENT HYPERVENTILATION. Identifiers: Orphanet 2896, MedGen C1970431, MONDO:0012589, OMIM 610954.

Submissions (2):

MGZ Medical Genetics Center
Classification: Likely pathogenic for Pitt-Hopkins syndrome. Last evaluated: 2022-02-17. Review status: criteria provided, single submitter. Criteria: ACMG Guidelines, 2015. Collection method: clinical testing. Allele origin: germline. Affected: yes. Observed: 1 variant allele.
Comment: ACMG criteria applied: PM1, PM5, PM2_SUP, PP3

Geisinger Autism and Developmental Medicine Institute, Geisinger Health System
Classification: Likely pathogenic for Pitt-Hopkins syndrome. Last evaluated: 2017-03-29. Review status: criteria provided, single submitter. Criteria: ACMG Guidelines, 2015. Collection method: provider interpretation, clinical testing. Allele origin: de novo. Affected: yes. Observed: 1 variant allele.
Comment: The p.Val617Phe variant is absent from population databases and has not been reported in other individuals with Pitt-Hopkins syndrome, to our knowledge. Computational models predict the variant to be probably damaging. A variant at codon 614 has been reported previously in an individual with Pitt-Hopkins, which supports the functional importance of this region.

Literature cited by the submitters: PubMed 21671391 (cited by Geisinger Autism and Developmental Medicine Institute, Geisinger Health System); PubMed 24077912 (cited by Geisinger Autism and Developmental Medicine Institute, Geisinger Health System).

NM_001083962.2(TCF4):c.1849G>T (p.Val617Phe)

Gene: TCF4 (transcription factor 4; minus strand). Cytogenetic location: 18q21.2.
Variant type: single nucleotide variant.
Coding change: c.1849G>T on transcript NM_001083962.2 (MANE Select); coding-DNA position 1849, G replaced by T.
Protein change: p.Val617Phe; replaces valine 617 with phenylalanine.
Molecular consequence: missense variant.
Genome position (GRCh38, 1-based): chr18:55,228,877, C>A on the plus strand (G>T on the coding strand, the complement: TCF4 is on the minus strand). VCF-style: chr18-55228877-C-A. GRCh37 (hg19) VCF-style: chr18-52896108-C-A.
Other names: c.1828G>T, p.Val610Phe (NM_001243230.2); c.1711G>T, p.Val571Phe (NM_001243231.2); c.1636G>T, p.Val546Phe (NM_001243232.1); c.1459G>T, p.Val487Phe (NM_001348213.2, NM_001330605.3); c.1354G>T, p.Val452Phe (NM_001348214.2); c.1765G>T, p.Val589Phe (NM_001348219.2, NM_001306207.1, NM_001369582.1 and 1 more transcripts); c.1762G>T, p.Val588Phe (NM_001348220.1, NM_001369584.1, NM_001369585.1); c.1723G>T, p.Val575Phe (NM_001348211.2); and 14 more; short protein forms V617F, V453F, V546F, V613F, V623F, V571F, V588F, V589F.
Identifiers: ClinVar variation 560273 (VCV000560273.4), dbSNP rs1568303086, ClinGen allele CA402528285.